The following is an entry in ClinVar:

NM_173648.4(CCDC141):c.2476C>T (p.His826Tyr)

Gene: CCDC141 (coiled-coil domain containing 141; minus strand). Cytogenetic location: 2q31.2.
Variant type: single nucleotide variant.
Coding change: c.2476C>T on transcript NM_173648.4 (MANE Select); coding-DNA position 2476, C replaced by T.
Protein change: p.His826Tyr; replaces histidine 826 with tyrosine.
Molecular consequence: missense variant.
Genome position (GRCh38, 1-based): chr2:178,868,124, G>A on the plus strand (C>T on the coding strand, the complement: CCDC141 is on the minus strand). VCF-style: chr2-178868124-G-A. GRCh37 (hg19) VCF-style: chr2-179732851-G-A.
Other names: short protein forms H826Y.
Identifiers: ClinVar variation 3645877 (VCV003645877.2).

ClinVar aggregate classification (germline): Uncertain significance (1 of 4 stars; one submission).

Submission:

Labcorp Genetics (formerly Invitae), Labcorp
Classification: Uncertain significance. Last evaluated: 2024-05-18. Review status: criteria provided, single submitter. Criteria: Invitae Variant Classification Sherloc (09022015). Collection method: clinical testing. Allele origin: germline.
Comment: This sequence change replaces histidine, which is basic and polar, with tyrosine, which is neutral and polar, at codon 826 of the CCDC141 protein (p.His826Tyr). This variant is not present in population databases (gnomAD no frequency). This variant has not been reported in the literature in individuals affected with CCDC141-related conditions. Algorithms developed to predict the effect of missense changes on protein structure and function output the following: SIFT: "Not Available"; PolyPhen-2: "Benign"; Align-GVGD: "Not Available". The tyrosine amino acid residue is found in multiple mammalian species, which suggests that this missense change does not adversely affect protein function. In summary, the available evidence is currently insufficient to determine the role of this variant in disease. Therefore, it has been classified as a Variant of Uncertain Significance.